The following is an entry in ClinVar:

ClinVar aggregate classification (germline): Uncertain significance (1 of 4 stars; one submission).

Submission:

GeneDx
Classification: Uncertain significance. Last evaluated: 2022-07-14. Review status: criteria provided, single submitter. Criteria: GeneDx Variant Classification Process June 2021. Collection method: clinical testing. Allele origin: germline. Affected: yes.
Comment: Not observed at significant frequency in large population cohorts (gnomAD); In silico analysis supports that this missense variant has a deleterious effect on protein structure/function; Has not been previously published as pathogenic or benign to our knowledge

NM_001384140.1(PCDH15):c.71G>A (p.Cys24Tyr)

Gene: PCDH15 (protocadherin related 15; minus strand). Cytogenetic location: 10q21.1.
Variant type: single nucleotide variant.
Coding change: c.71G>A on transcript NM_001384140.1 (MANE Select); coding-DNA position 71, G replaced by A.
Protein change: p.Cys24Tyr; replaces cysteine 24 with tyrosine.
Molecular consequence: missense variant.
Genome position (GRCh38, 1-based): chr10:54,664,192, C>T on the plus strand (G>A on the coding strand, the complement: PCDH15 is on the minus strand). VCF-style: chr10-54664192-C-T. GRCh37 (hg19) VCF-style: chr10-56423952-C-T.
Other names: c.71G>A, p.Cys24Tyr (NM_001142763.2, NM_001142764.2, NM_001142765.2 and 14 more transcripts); short protein forms C24Y.
Identifiers: ClinVar variation 1878720 (VCV001878720.1), dbSNP rs2549545176, ClinGen allele CA376541903.